The following is an entry in ClinVar:

NM_006904.7(PRKDC):c.1339C>T (p.Pro447Ser)

Gene: PRKDC (protein kinase, DNA-activated, catalytic subunit; minus strand). Cytogenetic location: 8q11.21.
Variant type: single nucleotide variant.
Coding change: c.1339C>T on transcript NM_006904.7 (MANE Select); coding-DNA position 1339, C replaced by T.
Protein change: p.Pro447Ser; replaces proline 447 with serine.
Molecular consequence: missense variant.
Genome position (GRCh38, 1-based): chr8:47,935,840, G>A on the plus strand (C>T on the coding strand, the complement: PRKDC is on the minus strand). VCF-style: chr8-47935840-G-A. GRCh37 (hg19) VCF-style: chr8-48848400-G-A.
Other names: c.1339C>T, p.Pro447Ser (NM_001081640.2); short protein forms P447S.
Identifiers: ClinVar variation 1770301 (VCV001770301.2), dbSNP rs1218820091, ClinGen allele CA371165888.

ClinVar aggregate classification (germline): Uncertain significance (1 of 4 stars; one submission).

Allele frequency attached by ClinVar (database versions not stated): gnomAD exomes below 0.00001; TOPMed 0.00001.
gnomAD v4.1: 1 of 1,613,914 alleles (0.000062%); highest among the groups gnomAD compares: South Asian, 0.0011%; no homozygotes.

Submission:

Ambry Genetics
Classification: Uncertain significance. Last evaluated: 2022-05-04. Review status: criteria provided, single submitter. Criteria: Ambry Variant Classification Scheme 2023. Collection method: clinical testing. Allele origin: germline.
Comment: The p.P447S variant (also known as c.1339C>T), located in coding exon 13 of the PRKDC gene, results from a C to T substitution at nucleotide position 1339. The proline at codon 447 is replaced by serine, an amino acid with similar properties. This amino acid position is conserved. In addition, the in silico prediction for this alteration is inconclusive. Since supporting evidence is limited at this time, the clinical significance of this alteration remains unclear.